The following is an entry in ClinVar:

NM_002691.4(POLD1):c.945C>G (p.Phe315Leu)

Gene: POLD1 (DNA polymerase delta 1, catalytic subunit; plus strand). Cytogenetic location: 19q13.33.
Variant type: single nucleotide variant.
Coding change: c.945C>G on transcript NM_002691.4 (MANE Select); coding-DNA position 945, C replaced by G.
Protein change: p.Phe315Leu; replaces phenylalanine 315 with leucine.
Molecular consequence: missense variant. On other transcripts: non-coding transcript variant (1).
Genome position (GRCh38, 1-based): chr19:50,402,716, C>G. VCF-style: chr19-50402716-C-G. GRCh37 (hg19) VCF-style: chr19-50905973-C-G.
Other names: c.945C>G, p.Phe315Leu (NM_001256849.1, NM_001308632.1); short protein forms F315L.
Identifiers: ClinVar variation 2855445 (VCV002855445.3), dbSNP rs150116169, ClinGen allele CA406977326.

ClinVar aggregate classification (germline): Uncertain significance (1 of 4 stars; one submission).

Conditions:
POLD1-related polyposis and colorectal cancer syndrome (CRCS10). Also called: Colorectal cancer 10; COLORECTAL CANCER, SUSCEPTIBILITY TO, ON CHROMOSOME 19q; Colorectal cancer, susceptibility to, 10. Identifiers: Orphanet 220460, MedGen C2675481, MONDO:0012953, OMIM 612591.

Submission:

Labcorp Genetics (formerly Invitae), Labcorp
Classification: Uncertain significance for POLD1-related polyposis and colorectal cancer syndrome. Last evaluated: 2023-09-23. Review status: criteria provided, single submitter. Criteria: Invitae Variant Classification Sherloc (09022015). Collection method: clinical testing. Allele origin: germline.
Comment: Advanced modeling of protein sequence and biophysical properties (such as structural, functional, and spatial information, amino acid conservation, physicochemical variation, residue mobility, and thermodynamic stability) performed at Invitae indicates that this missense variant is not expected to disrupt POLD1 protein function. This sequence change replaces phenylalanine, which is neutral and non-polar, with leucine, which is neutral and non-polar, at codon 315 of the POLD1 protein (p.Phe315Leu). This variant is not present in population databases (gnomAD no frequency). This variant has not been reported in the literature in individuals affected with POLD1-related conditions. In summary, the available evidence is currently insufficient to determine the role of this variant in disease. Therefore, it has been classified as a Variant of Uncertain Significance.